The following is an entry in ClinVar:

ClinVar aggregate classification (germline): Uncertain significance (1 of 4 stars; one submission).

Conditions:
Inborn genetic diseases. Identifiers: MedGen C0950123, MeSH D030342.

gnomAD v4.1: 2 of 1,613,920 alleles (0.00012%); highest among the groups gnomAD compares: Non-Finnish European, 0.00017%; no homozygotes.

Submission:

Ambry Genetics
Classification: Uncertain significance for Inborn genetic diseases. Last evaluated: 2024-12-29. Review status: criteria provided, single submitter. Criteria: Ambry Variant Classification Scheme 2023. Collection method: clinical testing. Allele origin: germline.
Comment: The p.P331A variant (also known as c.991C>G), located in coding exon 4 of the SH2B3 gene, results from a C to G substitution at nucleotide position 991. The proline at codon 331 is replaced by alanine, an amino acid with highly similar properties. This amino acid position is conserved. In addition, this alteration is predicted to be tolerated by in silico analysis. Based on the available evidence, the clinical significance of this variant remains unclear.

NM_005475.3(SH2B3):c.991C>G (p.Pro331Ala)

Gene: SH2B3 (SH2B adaptor protein 3; plus strand). Cytogenetic location: 12q24.12.
Variant type: single nucleotide variant.
Coding change: c.991C>G on transcript NM_005475.3 (MANE Select); coding-DNA position 991, C replaced by G.
Protein change: p.Pro331Ala; replaces proline 331 with alanine.
Molecular consequence: missense variant.
Genome position (GRCh38, 1-based): chr12:111,447,189, C>G. VCF-style: chr12-111447189-C-G. GRCh37 (hg19) VCF-style: chr12-111884993-C-G.
Other names: c.385C>G, p.Pro129Ala (NM_001291424.1); short protein forms P129A, P331A.
Identifiers: ClinVar variation 3795054 (VCV003795054.1).